The following is an entry in ClinVar:

ClinVar aggregate classification (germline): Benign. Review status: criteria provided, multiple submitters, no conflicts (2 of 4 stars). 3 submissions from 3 submitters: Benign (2). 1 of the submissions does not count toward it. Last evaluated 2026-01-19.

Conditions:
DHX37-related disorder. Also called: DHX37-related condition; DHX37-Related Disorders.

Allele frequency attached by ClinVar (database versions not stated): 1000 Genomes Project 0.00280; 1000 Genomes Project 30x 0.00297; gnomAD exomes 0.00756 and 0.01064; ESP Exome Variant Server 0.00792; ExAC 0.00811; TOPMed 0.00867; gnomAD 0.00899 and 0.00935.
gnomAD v4.1: 16,007 of 1,534,592 alleles (1%); highest among the groups gnomAD compares: Non-Finnish European, 1.2%; 118 homozygotes.

Submissions (3):

Labcorp Genetics (formerly Invitae), Labcorp
Classification: Benign. Last evaluated: 2026-01-19. Review status: criteria provided, single submitter. Criteria: Invitae Variant Classification Sherloc (09022015). Collection method: clinical testing. Allele origin: germline.

Genetic Services Laboratory, University of Chicago
Classification: Benign. Last evaluated: 2021-12-10. Review status: criteria provided, single submitter. Criteria: ACMG Guidelines, 2015. Collection method: clinical testing. Allele origin: germline. Affected: no.

PreventionGenetics, part of Exact Sciences
Classification: Benign for DHX37-related condition. Last evaluated: 2019-11-18. Review status: no assertion criteria provided. Collection method: clinical testing. Allele origin: germline. Not counted in ClinVar's aggregate classification.
Comment: This variant is classified as benign based on ACMG/AMP sequence variant interpretation guidelines (Richards et al. 2015 PMID: 25741868, with internal and published modifications).

NM_032656.4(DHX37):c.887+9T>C

Gene: DHX37 (DEAH-box helicase 37; minus strand). Cytogenetic location: 12q24.31.
Variant type: single nucleotide variant.
Coding change: c.887+9T>C on transcript NM_032656.4 (MANE Select); 9 bases into the intron after coding-DNA position 887, T replaced by C.
Molecular consequence: intron variant.
Genome position (GRCh38, 1-based): chr12:124,977,333, A>G on the plus strand (T>C on the coding strand, the complement: DHX37 is on the minus strand). VCF-style: chr12-124977333-A-G. GRCh37 (hg19) VCF-style: chr12-125461879-A-G.
Identifiers: ClinVar variation 781819 (VCV000781819.14), dbSNP rs74614695, ClinGen allele CA6872320.
Genomic context (GRCh38, chr12:124,977,333, plus strand): 5'-TTATCGACCTTTCAGGGCATCTCCAGTGTCACTGAGGGACCCAGAGAGAACCCTGTGTCC[A>G]GCCCCTACCTGCTGAAGCCTGCTTCATAGAGAAACTGAGGCACCTGTGTGGTCTTCCCGC-3'